The following is an entry in ClinVar:

ClinVar aggregate classification (germline): Uncertain significance (1 of 4 stars; one submission).

Allele frequency attached by ClinVar (database versions not stated): gnomAD exomes 0.00003; TOPMed 0.00004; gnomAD 0.00005; ESP Exome Variant Server 0.00008; ExAC 0.00010; 1000 Genomes Project 0.00040; 1000 Genomes Project 30x 0.00047.
gnomAD v4.1: 46 of 1,614,160 alleles (0.0028%); highest among the groups gnomAD compares: South Asian, 0.02%; no homozygotes.

Submission:

Labcorp Genetics (formerly Invitae), Labcorp
Classification: Uncertain significance. Last evaluated: 2022-04-07. Review status: criteria provided, single submitter. Criteria: Invitae Variant Classification Sherloc (09022015). Collection method: clinical testing. Allele origin: germline.
Comment: This sequence change replaces glutamic acid, which is acidic and polar, with lysine, which is basic and polar, at codon 379 of the VLDLR protein (p.Glu379Lys). This variant is present in population databases (rs6146, gnomAD 0.03%). This variant has not been reported in the literature in individuals affected with VLDLR-related conditions. Algorithms developed to predict the effect of missense changes on protein structure and function are either unavailable or do not agree on the potential impact of this missense change (SIFT: "Not Available"; PolyPhen-2: "Benign"; Align-GVGD: "Not Available"). In summary, the available evidence is currently insufficient to determine the role of this variant in disease. Therefore, it has been classified as a Variant of Uncertain Significance.

NM_003383.5(VLDLR):c.1135G>A (p.Glu379Lys)

Gene: VLDLR (very low density lipoprotein receptor; plus strand). Cytogenetic location: 9p24.2.
Variant type: single nucleotide variant.
Coding change: c.1135G>A on transcript NM_003383.5 (MANE Select); coding-DNA position 1135, G replaced by A.
Protein change: p.Glu379Lys; replaces glutamic acid 379 with lysine.
Molecular consequence: missense variant.
Genome position (GRCh38, 1-based): chr9:2,644,802, G>A. VCF-style: chr9-2644802-G-A. GRCh37 (hg19) VCF-style: chr9-2644802-G-A.
Other names: c.1135G>A, p.Glu379Lys (NM_001018056.3); c.1012G>A, p.Glu338Lys (NM_001322225.2, NM_001322226.2); short protein forms E338K, E379K.
Identifiers: ClinVar variation 2161792 (VCV002161792.1), dbSNP rs6146, ClinGen allele CA4964751.
Genomic context (GRCh38, chr9:2,644,802, plus strand): 5'-GAATGCTTGGTAAATAATGGTGGATGTTCTCATATCTGCAAAGACCTAGTTATAGGCTAC[G>A]AGTGTGACTGTGCAGCTGGGTTTGAACTGATAGATAGGAAAACCTGTGGAGGTGAGTCTA-3'
Protein context (NP_003374.3, residues 369-389): HICKDLVIGY[Glu379Lys]CDCAAGFELI